The following is an entry in ClinVar:

ClinVar aggregate classification (germline): Uncertain significance (1 of 4 stars; one submission).

Conditions:
Inborn genetic diseases. Identifiers: MedGen C0950123, MeSH D030342.

gnomAD v4.1: 5 of 1,388,588 alleles (0.00036%); highest among the groups gnomAD compares: South Asian, 0.0014%; no homozygotes.

Submission:

Ambry Genetics
Classification: Uncertain significance for Inborn genetic diseases. Last evaluated: 2025-02-02. Review status: criteria provided, single submitter. Criteria: Ambry Variant Classification Scheme 2023. Collection method: clinical testing. Allele origin: germline.
Comment: The p.A125V variant (also known as c.374C>T), located in coding exon 1 of the SH2B3 gene, results from a C to T substitution at nucleotide position 374. The alanine at codon 125 is replaced by valine, an amino acid with similar properties. This amino acid position is conserved. In addition, this alteration is predicted to be tolerated by in silico analysis. Based on the available evidence, the clinical significance of this variant remains unclear.

NM_005475.3(SH2B3):c.374C>T (p.Ala125Val)

Gene: SH2B3 (SH2B adaptor protein 3; plus strand). Cytogenetic location: 12q24.12.
Variant type: single nucleotide variant.
Coding change: c.374C>T on transcript NM_005475.3 (MANE Select); coding-DNA position 374, C replaced by T.
Protein change: p.Ala125Val; replaces alanine 125 with valine.
Molecular consequence: missense variant.
Genome position (GRCh38, 1-based): chr12:111,418,519, C>T. VCF-style: chr12-111418519-C-T. GRCh37 (hg19) VCF-style: chr12-111856323-C-T.
Other names: short protein forms A125V.
Identifiers: ClinVar variation 3795157 (VCV003795157.1).